The following is an entry in ClinVar:

NM_000039.3(APOA1):c.130G>A (p.Asp44Asn)

Genes: APOA1 (apolipoprotein A1; minus strand), APOA1-AS (APOA1 antisense RNA; plus strand). Cytogenetic location: 11q23.3.
Variant type: single nucleotide variant.
Coding change: c.130G>A on transcript NM_000039.3 (MANE Select); coding-DNA position 130, G replaced by A.
Protein change: p.Asp44Asn; replaces aspartic acid 44 with asparagine.
Molecular consequence: missense variant.
Genome position (GRCh38, 1-based): chr11:116,837,071, C>T on the plus strand (G>A on the coding strand, the complement: APOA1 is on the minus strand). VCF-style: chr11-116837071-C-T. GRCh37 (hg19) VCF-style: chr11-116707787-C-T.
Other names: c.130G>A, p.Asp44Asn (NM_001318017.2, NM_001318018.2); c.-198G>A (NM_001318021.2); short protein forms D44N.
Identifiers: ClinVar variation 1487468 (VCV001487468.7), dbSNP rs1315705365, ClinGen allele CA382719254.

ClinVar aggregate classification (germline): Uncertain significance. Review status: criteria provided, multiple submitters, no conflicts (2 of 4 stars). 2 submissions from 2 submitters: Uncertain significance (2). Last evaluated 2026-07-17.

Conditions:
Cardiovascular phenotype. Identifiers: MedGen CN230736.

Allele frequency attached by ClinVar (database versions not stated): gnomAD exomes below 0.00001; gnomAD 0.00001.

Submissions (2):

Ambry Genetics
Classification: Uncertain significance for Cardiovascular phenotype. Last evaluated: 2026-07-17. Review status: criteria provided, single submitter. Criteria: Ambry Variant Classification Scheme 2023. Collection method: clinical testing. Allele origin: germline.
Comment: The p.D44N variant (also known as c.130G>A), located in coding exon 2 of the APOA1 gene, results from a G to A substitution at nucleotide position 130. The aspartic acid at codon 44 is replaced by asparagine, an amino acid with highly similar properties. This amino acid position is conserved. In addition, this alteration is predicted to be tolerated by in silico analysis. Based on the available evidence, the clinical significance of this variant remains unclear.

Labcorp Genetics (formerly Invitae), Labcorp
Classification: Uncertain significance. Last evaluated: 2021-04-29. Review status: criteria provided, single submitter. Criteria: Invitae Variant Classification Sherloc (09022015). Collection method: clinical testing. Allele origin: germline.
Comment: In summary, the available evidence is currently insufficient to determine the role of this variant in disease. Therefore, it has been classified as a Variant of Uncertain Significance. Algorithms developed to predict the effect of missense changes on protein structure and function output the following: SIFT: "Not Available"; PolyPhen-2: "Benign"; Align-GVGD: "Not Available". The asparagine amino acid residue is found in multiple mammalian species, suggesting that this missense change does not adversely affect protein function. These predictions have not been confirmed by published functional studies and their clinical significance is uncertain. This variant has not been reported in the literature in individuals with APOA1-related conditions. This variant is not present in population databases (ExAC no frequency). This sequence change replaces aspartic acid with asparagine at codon 44 of the APOA1 protein (p.Asp44Asn). The aspartic acid residue is moderately conserved and there is a small physicochemical difference between aspartic acid and asparagine.